The following is an entry in ClinVar:

NM_001626.6(AKT2):c.671G>A (p.Arg224His)

Gene: AKT2 (AKT serine/threonine kinase 2; minus strand). Cytogenetic location: 19q13.2.
Variant type: single nucleotide variant.
Coding change: c.671G>A on transcript NM_001626.6 (MANE Select); coding-DNA position 671, G replaced by A.
Protein change: p.Arg224His; replaces arginine 224 with histidine.
Molecular consequence: missense variant.
Genome position (GRCh38, 1-based): chr19:40,238,942, C>T on the plus strand (G>A on the coding strand, the complement: AKT2 is on the minus strand). VCF-style: chr19-40238942-C-T. GRCh37 (hg19) VCF-style: chr19-40744849-C-T.
Other names: c.485G>A, p.Arg162His (NM_001243027.3, NM_001243028.3); c.671G>A, p.Arg224His (NM_001330511.1); short protein forms R162H, R224H.
Identifiers: ClinVar variation 3762279 (VCV003762279.2).

ClinVar aggregate classification (germline): Uncertain significance (1 of 4 stars; one submission).

Conditions:
Hypoinsulinemic hypoglycemia and body hemihypertrophy. Also called: Hypoinsulinemic hypoglycemia and hemihypertrophy. Identifiers: Orphanet 293964, MedGen C3278384, MONDO:0009416, OMIM 240900.
Type 2 diabetes mellitus. Also called: Type II diabetes mellitus. Identifiers: MedGen C0011860, MeSH D003924, MONDO:0005148, OMIM 125853, HP:0005978.

Submission:

Labcorp Genetics (formerly Invitae), Labcorp
Classification: Uncertain significance for Hypoinsulinemic hypoglycemia and body hemihypertrophy; Type 2 diabetes mellitus. Last evaluated: 2024-11-06. Review status: criteria provided, single submitter. Criteria: Invitae Variant Classification Sherloc (09022015). Collection method: clinical testing. Allele origin: germline.
Comment: This sequence change replaces arginine, which is basic and polar, with histidine, which is basic and polar, at codon 224 of the AKT2 protein (p.Arg224His). The frequency data for this variant in the population databases is considered unreliable, as metrics indicate poor data quality at this position in the gnomAD database. This variant has not been reported in the literature in individuals affected with AKT2-related conditions. An algorithm developed to predict the effect of missense changes on protein structure and function (PolyPhen-2) suggests that this variant is likely to be disruptive. In summary, the available evidence is currently insufficient to determine the role of this variant in disease. Therefore, it has been classified as a Variant of Uncertain Significance.